The following is an entry in ClinVar:

ClinVar aggregate classification (germline): Likely benign (0 of 4 stars; one submission).

Conditions:
EP300-related disorder. Also called: EP300-related condition; EP300-related disorders.

gnomAD v4.1: 9 of 1,614,186 alleles (0.00056%); highest among the groups gnomAD compares: South Asian, 0.0011%; no homozygotes.

Submission:

PreventionGenetics, part of Exact Sciences
Classification: Likely benign for EP300-related condition. Last evaluated: 2024-05-30. Review status: no assertion criteria provided. Collection method: clinical testing. Allele origin: germline.
Comment: This variant is classified as likely benign based on ACMG/AMP sequence variant interpretation guidelines (Richards et al. 2015 PMID: 25741868, with internal and published modifications).

NM_001429.4(EP300):c.6171T>A (p.Thr2057=)

Gene: EP300 (E1A binding protein p300; plus strand). Cytogenetic location: 22q13.2.
Variant type: single nucleotide variant.
Coding change: c.6171T>A on transcript NM_001429.4 (MANE Select); coding-DNA position 6171, T replaced by A.
Protein change: p.Thr2057=; no amino-acid change (threonine 2057 retained).
Molecular consequence: synonymous variant.
Genome position (GRCh38, 1-based): chr22:41,177,882, T>A. VCF-style: chr22-41177882-T-A. GRCh37 (hg19) VCF-style: chr22-41573886-T-A.
Other names: c.6093T>A, p.Thr2031= (NM_001362843.2).
Identifiers: ClinVar variation 3346158 (VCV003346158.1).